The following is an entry in ClinVar:

NM_001349278.2(ANKRD28):c.2441C>T (p.Thr814Met)

Genes: ANKRD28 (ankyrin repeat domain 28; minus strand), BTD (biotinidase; plus strand). Cytogenetic location: 3p25.1.
Variant type: single nucleotide variant.
Coding change: c.2441C>T on transcript NM_001349278.2 (MANE Select); coding-DNA position 2441, C replaced by T.
Protein change: p.Thr814Met; replaces threonine 814 with methionine.
Molecular consequence: missense variant. On other transcripts: non-coding transcript variant (2), intron variant (4).
Genome position (GRCh38, 1-based): chr3:15,679,512, G>A on the plus strand (C>T on the coding strand, the complement: ANKRD28 is on the minus strand). VCF-style: chr3-15679512-G-A. GRCh37 (hg19) VCF-style: chr3-15721019-G-A.
Other names: c.1889C>T, p.Thr630Met (NM_001195098.1, NM_001195099.2, NM_001349283.2); c.2450C>T, p.Thr817Met (NM_001349277.2); c.2342C>T, p.Thr781Met (NM_001349279.2); c.2183C>T, p.Thr728Met (NM_001349280.1, NM_001349281.2, NM_001349282.2); c.2351C>T, p.Thr784Met (NM_015199.4); c.1015+34581G>A (NM_001370752.1, NM_001407379.1); c.400-30887G>A (NM_001370753.1); c.400-8799G>A (NM_001407400.1); short protein forms T728M, T814M, T630M, T784M, T817M, T781M.
Identifiers: ClinVar variation 4640797 (VCV004640797.3).

ClinVar aggregate classification (germline): Likely benign. Review status: criteria provided, multiple submitters, no conflicts (2 of 4 stars). 2 submissions from 2 submitters: Likely benign (2). Last evaluated 2026-07-01.

gnomAD v4.1: 1,000 of 1,613,670 alleles (0.062%); highest among the groups gnomAD compares: African/African-American, 1.1%; 2 homozygotes.

Submissions (2):

CeGaT Center for Human Genetics Tuebingen
Classification: Likely benign. Last evaluated: 2026-07-01. Review status: criteria provided, single submitter. Criteria: CeGaT Center For Human Genetics Tuebingen Variant Classification Criteria Version 2. Collection method: clinical testing. Allele origin: germline. Affected: yes. Observed: 2 variant alleles.
Comment: ANKRD28: BP4, BS1

Ambry Genetics
Classification: Likely benign. Last evaluated: 2025-11-13. Review status: criteria provided, single submitter. Criteria: Ambry Variant Classification Scheme 2023. Collection method: clinical testing. Allele origin: germline.